The following is an entry in ClinVar:

NM_002878.4(RAD51D):c.752T>A (p.Ile251Lys)

Genes: RAD51D (RAD51 paralog D; minus strand), RAD51L3-RFFL (RAD51L3-RFFL readthrough; minus strand). Cytogenetic location: 17q12.
Variant type: single nucleotide variant.
Coding change: c.752T>A on transcript NM_002878.4 (MANE Select); coding-DNA position 752, T replaced by A.
Protein change: p.Ile251Lys; replaces isoleucine 251 with lysine.
Molecular consequence: missense variant. On other transcripts: non-coding transcript variant (3).
Genome position (GRCh38, 1-based): chr17:35,101,352, A>T on the plus strand (T>A on the coding strand, the complement: RAD51D is on the minus strand). VCF-style: chr17-35101352-A-T. GRCh37 (hg19) VCF-style: chr17-33428371-A-T.
Other names: c.812T>A, p.Ile271Lys (NM_001142571.2); c.416T>A, p.Ile139Lys (NM_133629.3); short protein forms I251K, I139K, I271K.
Identifiers: ClinVar variation 418446 (VCV000418446.19), dbSNP rs778847822, ClinGen allele CA8499352.

ClinVar aggregate classification (germline): Uncertain significance. Review status: criteria provided, multiple submitters, no conflicts (2 of 4 stars). 6 submissions from 6 submitters: Uncertain significance (6). Last evaluated 2025-08-11.

Conditions:
Breast-ovarian cancer, familial, susceptibility to, 4. Identifiers: Orphanet 145, MedGen C3280345, MONDO:0013669, OMIM 614291.
Hereditary cancer-predisposing syndrome. Also called: Hereditary neoplastic syndrome; Tumor predisposition; Neoplastic Syndromes, Hereditary; Hereditary Cancer Syndrome. Identifiers: Orphanet 140162, MedGen C0027672, MeSH D009386, MONDO:0015356.

Allele frequency attached by ClinVar (database versions not stated): ExAC 0.00001; gnomAD exomes 0.00001.
gnomAD v4.1: 4 of 1,613,874 alleles (0.00025%); highest among the groups gnomAD compares: Non-Finnish European, 0.00034%; no homozygotes.

Submissions (6):

Labcorp Genetics (formerly Invitae), Labcorp
Classification: Uncertain significance for Breast-ovarian cancer, familial, susceptibility to, 4. Last evaluated: 2025-08-11. Review status: criteria provided, single submitter. Criteria: Invitae Variant Classification Sherloc (09022015). Collection method: clinical testing. Allele origin: germline.
Comment: This sequence change replaces isoleucine, which is neutral and non-polar, with lysine, which is basic and polar, at codon 251 of the RAD51D protein (p.Ile251Lys). This variant is present in population databases (rs778847822, gnomAD 0.002%). This variant has not been reported in the literature in individuals affected with RAD51D-related conditions. ClinVar contains an entry for this variant (Variation ID: 418446). Invitae Evidence Modeling of protein sequence and biophysical properties (such as structural, functional, and spatial information, amino acid conservation, physicochemical variation, residue mobility, and thermodynamic stability) indicates that this missense variant is not expected to disrupt RAD51D protein function with a negative predictive value of 80%. In summary, the available evidence is currently insufficient to determine the role of this variant in disease. Therefore, it has been classified as a Variant of Uncertain Significance.

Ambry Genetics
Classification: Uncertain significance for Hereditary cancer-predisposing syndrome. Last evaluated: 2024-11-03. Review status: criteria provided, single submitter. Criteria: Ambry Variant Classification Scheme 2023. Collection method: clinical testing. Allele origin: germline.
Comment: The p.I251K variant (also known as c.752T>A), located in coding exon 9 of the RAD51D gene, results from a T to A substitution at nucleotide position 752. The isoleucine at codon 251 is replaced by lysine, an amino acid with dissimilar properties. This amino acid position is poorly conserved in available vertebrate species. In addition, the in silico prediction for this alteration is inconclusive. Since supporting evidence is limited at this time, the clinical significance of this alteration remains unclear.

Color Diagnostics, LLC DBA Color Health
Classification: Uncertain significance for Hereditary cancer-predisposing syndrome. Last evaluated: 2023-12-05. Review status: criteria provided, single submitter. Criteria: ACMG Guidelines, 2015. Collection method: clinical testing. Allele origin: germline.
Comment: This missense variant replaces isoleucine with lysine at codon 251 of the RAD51D protein. Computational prediction suggests that this variant may not impact protein structure and function (internally defined REVEL score threshold <= 0.5, PMID: 27666373). To our knowledge, functional studies have not been reported for this variant. This variant has not been reported in individuals affected with RAD51D-related disorders in the literature. This variant has been identified in 2/251140 chromosomes in the general population by the Genome Aggregation Database (gnomAD). The available evidence is insufficient to determine the role of this variant in disease conclusively. Therefore, this variant is classified as a Variant of Uncertain Significance.

GeneDx
Classification: Uncertain significance. Last evaluated: 2023-10-23. Review status: criteria provided, single submitter. Criteria: GeneDx Variant Classification Process June 2021. Collection method: clinical testing. Allele origin: germline. Affected: yes.
Comment: Not observed at significant frequency in large population cohorts (gnomAD); In silico analysis supports that this missense variant has a deleterious effect on protein structure/function; Has not been previously published as pathogenic or benign to our knowledge; This variant is associated with the following publications: (PMID: 19327148, 14704354, 21111057)

Baylor Genetics
Classification: Uncertain significance for Breast-ovarian cancer, familial, susceptibility to, 4. Last evaluated: 2023-08-30. Review status: criteria provided, single submitter. Criteria: ACMG Guidelines, 2015. Collection method: clinical testing. Allele origin: unknown.

Sema4
Classification: Uncertain significance for Hereditary cancer-predisposing syndrome. Last evaluated: 2021-05-06. Review status: criteria provided, single submitter. Criteria: Sema4 Curation Guidelines. Collection method: curation. Allele origin: germline.
Comment: The RAD51D c.752T>A (p.I251K) variant has not been reported in the literature to our knowledge. It was observed in 2/113740 chromosomes of the Non-Finnish European subpopulation in the large and broad cohorts of the Genome Aggregation Database. The variant has been reported in ClinVar (Variation ID 418446). In silico tools suggest the impact of the variant on protein function is inconclusive, though these predictions have not been confirmed by functional studies. The evidence is insufficient to meet ACMG/AMP criteria for classifying the variant as benign or pathogenic. Thus, the clinical significance of this variant is currently uncertain.